The following is an entry in ClinVar:

NM_004006.3(DMD):c.2168+249A>T

Gene: DMD (dystrophin; minus strand). Cytogenetic location: Xp21.1.
Variant type: single nucleotide variant.
Coding change: c.2168+249A>T on transcript NM_004006.3 (MANE Select); 249 bases into the intron after coding-DNA position 2168, A replaced by T.
Molecular consequence: intron variant.
Genome position (GRCh38, 1-based): chrX:32,544,910, T>A on the plus strand (A>T on the coding strand, the complement: DMD is on the minus strand). VCF-style: chrX-32544910-T-A. GRCh37 (hg19) VCF-style: chrX-32563027-T-A.
Other names: c.2144+249A>T (NM_000109.4); c.2156+249A>T (NM_004009.3); c.1799+249A>T (NM_004010.3).
Identifiers: ClinVar variation 679471 (VCV000679471.1), dbSNP rs143384830, ClinGen allele CA328024973.

ClinVar aggregate classification (germline): Benign (1 of 4 stars; one submission).

Allele frequency attached by ClinVar (database versions not stated): gnomAD 0.02854 and 0.03038; 1000 Genomes Project 0.03205; TOPMed 0.03268; 1000 Genomes Project 30x 0.03476.
gnomAD v4.1: 3,129 of 110,980 alleles (2.8%); highest among the groups gnomAD compares: African/African-American, 9.7%; 97 homozygotes.

Submission:

GeneDx
Classification: Benign. Last evaluated: 2018-06-18. Review status: criteria provided, single submitter. Criteria: GeneDx Variant Classification (06012015). Collection method: clinical testing. Allele origin: germline. Affected: yes.
Comment: This variant is considered likely benign or benign based on one or more of the following criteria: it is a conservative change, it occurs at a poorly conserved position in the protein, it is predicted to be benign by multiple in silico algorithms, and/or has population frequency not consistent with disease.